The following is an entry in ClinVar:

NM_015978.3(TNNI3K):c.287G>A (p.Arg96Gln)

Genes: FPGT-TNNI3K (FPGT-TNNI3K readthrough; plus strand), TNNI3K (TNNI3 interacting kinase; plus strand). Cytogenetic location: 1p31.1.
Variant type: single nucleotide variant.
Coding change: c.287G>A on transcript NM_015978.3 (MANE Select); coding-DNA position 287, G replaced by A.
Protein change: p.Arg96Gln; replaces arginine 96 with glutamine.
Molecular consequence: missense variant.
Genome position (GRCh38, 1-based): chr1:74,250,723, G>A. VCF-style: chr1-74250723-G-A. GRCh37 (hg19) VCF-style: chr1-74716407-G-A.
Other names: c.590G>A, p.Arg197Gln (NM_001112808.3, NM_001199327.2); short protein forms R96Q, R197Q.
Identifiers: ClinVar variation 1429133 (VCV001429133.7), dbSNP rs774437316, ClinGen allele CA908845.

ClinVar aggregate classification (germline): Conflicting classifications of pathogenicity. Review status: criteria provided, conflicting classifications (1 of 4 stars). 2 submissions from 2 submitters: Uncertain significance (1); Likely benign (1). Last evaluated 2025-08-25.

Allele frequency attached by ClinVar (database versions not stated): gnomAD 0.00001; ExAC 0.00002; gnomAD exomes 0.00002; TOPMed 0.00002.
gnomAD v4.1: 43 of 1,612,898 alleles (0.0027%); highest among the groups gnomAD compares: Non-Finnish European, 0.0036%; no homozygotes.

Submissions (2):

Labcorp Genetics (formerly Invitae), Labcorp
Classification: Uncertain significance. Last evaluated: 2025-08-25. Review status: criteria provided, single submitter. Criteria: Invitae Variant Classification Sherloc (09022015). Collection method: clinical testing. Allele origin: germline.
Comment: This sequence change replaces arginine, which is basic and polar, with glutamine, which is neutral and polar, at codon 96 of the TNNI3K protein (p.Arg96Gln). This variant is present in population databases (rs774437316, gnomAD 0.01%). This variant has not been reported in the literature in individuals affected with TNNI3K-related conditions. ClinVar contains an entry for this variant (Variation ID: 1429133). Invitae Evidence Modeling of protein sequence and biophysical properties (such as structural, functional, and spatial information, amino acid conservation, physicochemical variation, residue mobility, and thermodynamic stability) indicates that this missense variant is not expected to disrupt TNNI3K protein function with a negative predictive value of 80%. In summary, the available evidence is currently insufficient to determine the role of this variant in disease. Therefore, it has been classified as a Variant of Uncertain Significance.

Blueprint Genetics
Classification: Likely benign. Last evaluated: 2023-12-19. Review status: criteria provided, single submitter. Criteria: ACMG Guidelines, 2015. Collection method: clinical testing. Allele origin: germline.